The following is an entry in ClinVar:

NM_020297.4(ABCC9):c.4512+690C>T

Genes: KCNJ8-AS1 (KCNJ8 antisense RNA 1; plus strand), ABCC9 (ATP binding cassette subfamily C member 9; minus strand). Cytogenetic location: 12p12.1.
Variant type: single nucleotide variant.
Coding change: c.4512+690C>T on transcript NM_020297.4 (MANE Select); 690 bases into the intron after coding-DNA position 4512, C replaced by T.
Molecular consequence: intron variant. On other transcripts: missense variant (1).
Genome position (GRCh38, 1-based): chr12:21,805,308, G>A on the plus strand (C>T on the coding strand, the complement: ABCC9 is on the minus strand). VCF-style: chr12-21805308-G-A. GRCh37 (hg19) VCF-style: chr12-21958242-G-A.
Other names: c.4516C>T, p.Arg1506Cys (NM_005691.4); c.3645+690C>T (NM_001377274.1); c.4512+690C>T (NM_001377273.1); short protein forms R1506C.
Identifiers: ClinVar variation 45416 (VCV000045416.30), dbSNP rs397517191, ClinGen allele CA136299.

ClinVar aggregate classification (germline): Conflicting classifications of pathogenicity. Review status: criteria provided, conflicting classifications (1 of 4 stars). 7 submissions from 7 submitters: Uncertain significance (5); Likely benign (2). Last evaluated 2026-04-28.

Conditions:
Cardiovascular phenotype. Identifiers: MedGen CN230736.
Dilated cardiomyopathy 1O (CMD1O). Also called: CARDIOMYOPATHY, DILATED, WITH VENTRICULAR TACHYCARDIA. Identifiers: Orphanet 154, MedGen C1837839, MONDO:0012062, OMIM 608569.

Allele frequency attached by ClinVar (database versions not stated): gnomAD exomes 0.00007 and 0.00008; ExAC 0.00010; TOPMed 0.00014; gnomAD 0.00017; 1000 Genomes Project 0.00040; 1000 Genomes Project 30x 0.00047.
gnomAD v4.1: 126 of 1,613,438 alleles (0.0078%); highest among the groups gnomAD compares: African/African-American, 0.041%; no homozygotes.

Submissions (7):

Women's Health and Genetics/Laboratory Corporation of America, LabCorp
Classification: Likely benign. Last evaluated: 2026-04-28. Review status: criteria provided, single submitter. Criteria: LabCorp Variant Classification Summary - May 2015. Collection method: clinical testing. Allele origin: germline.
Comment: Variant summary: ABCC9 c.4516C>T (p.Arg1506Cys) results in a non-conservative amino acid change located in the ABC transporter-like (IPR003439) of the encoded protein sequence. Algorithms developed to predict the effect of missense changes on protein structure and function all suggest that this variant is likely to be disruptive. The variant allele was found at a frequency of 7.6e-05 in 250688 control chromosomes. The observed variant frequency exceeds the estimated maximal expected allele frequency for disease-causing variants in ABCC9. c.4516C>T has been observed in individual(s) affected with Dilated Cardiomyopathy, without strong evidence for causality (Pugh_2014). These report(s) do not provide unequivocal conclusions about association of the variant with Dilated Cardiomyopathy. To our knowledge, no experimental evidence demonstrating an impact on protein function has been reported. The following publication has been ascertained in the context of this evaluation (PMID: 24503780). ClinVar contains an entry for this variant (Variation ID: 45416). Based on the evidence outlined above, the variant was classified as likely benign.

Labcorp Genetics (formerly Invitae), Labcorp
Classification: Uncertain significance for Dilated cardiomyopathy 1O. Last evaluated: 2026-01-12. Review status: criteria provided, single submitter. Criteria: Invitae Variant Classification Sherloc (09022015). Collection method: clinical testing. Allele origin: germline.
Comment: This sequence change replaces arginine, which is basic and polar, with cysteine, which is neutral and slightly polar, at codon 1506 of the ABCC9 protein (p.Arg1506Cys). This variant is present in population databases (rs397517191, gnomAD 0.08%). This missense change has been observed in individual(s) with dilated cardiomyopathy (PMID: 24503780). ClinVar contains an entry for this variant (Variation ID: 45416). Invitae Evidence Modeling of protein sequence and biophysical properties (such as structural, functional, and spatial information, amino acid conservation, physicochemical variation, residue mobility, and thermodynamic stability) indicates that this missense variant is expected to disrupt ABCC9 protein function with a positive predictive value of 95%. In summary, the available evidence is currently insufficient to determine the role of this variant in disease. Therefore, it has been classified as a Variant of Uncertain Significance.

CeGaT Center for Human Genetics Tuebingen
Classification: Uncertain significance. Last evaluated: 2025-05-01. Review status: criteria provided, single submitter. Criteria: CeGaT Center For Human Genetics Tuebingen Variant Classification Criteria Version 2. Collection method: clinical testing. Allele origin: germline. Affected: yes. Observed: 1 variant allele.
Comment: ABCC9: PP2, PP3

Mayo Clinic Laboratories, Mayo Clinic
Classification: Uncertain significance. Last evaluated: 2025-01-15. Review status: criteria provided, single submitter. Criteria: ACMG Guidelines, 2015. Collection method: clinical testing. Allele origin: germline. Observed: 1 variant allele.
Comment: BS1, PP2, PP3

Ambry Genetics
Classification: Uncertain significance for Cardiovascular phenotype. Last evaluated: 2024-03-15. Review status: criteria provided, single submitter. Criteria: Ambry Variant Classification Scheme 2023. Collection method: clinical testing. Allele origin: germline.
Comment: The p.R1506C variant (also known as c.4516C>T), located in coding exon 38 of the ABCC9 gene, results from a C to T substitution at nucleotide position 4516. The arginine at codon 1506 is replaced by cysteine, an amino acid with highly dissimilar properties. This alteration was reported in one individual with dilated cardiomyopathy (DCM) who also had variants in other cardiac-related genes (Pugh TJ et al. Genet. Med., 2014 Aug;16:601-8). This amino acid position is highly conserved in available vertebrate species. In addition, this alteration is predicted to be deleterious by in silico analysis. Since supporting evidence is limited at this time, the clinical significance of this alteration remains unclear.

Blueprint Genetics
Classification: Likely benign. Last evaluated: 2023-08-29. Review status: criteria provided, single submitter. Criteria: ACMG Guidelines, 2015. Collection method: clinical testing. Allele origin: germline.

Laboratory for Molecular Medicine, Mass General Brigham Personalized Medicine
Classification: Uncertain significance. Last evaluated: 2012-08-14. Review status: criteria provided, single submitter. Criteria: LMM Criteria. Collection method: clinical testing. Allele origin: germline. Observed: 1 variant allele.
Comment: The Arg1506Cys variant in ABCC9 has not been reported in the literature nor prev iously identified by our laboratory. Computational analyses (biochemical amino a cid properties, conservation, AlignGVGD, PolyPhen2, and SIFT) do not provide str ong support for or against an impact to the protein. Additional information is n eeded to fully assess the clinical significance of this variant.

Literature cited by the submitters: PubMed 24503780 (cited by 4 submitters).